The following is an entry in ClinVar:

NC_000023.10:g.(31645980_31676106)_(31950345_31986455)del

Gene: DMD (dystrophin; minus strand). Cytogenetic location: Xp21.1.
Variant type: Deletion.
Identifiers: ClinVar variation 1301349 (VCV001301349.1).

ClinVar aggregate classification (germline): Pathogenic (1 of 4 stars; one submission).

Conditions:
Neuromuscular disease caused by qualitative or quantitative defects of dystrophin. Also called: Qualitative or quantitative defects of dystrophin. Identifiers: Orphanet 207085, MedGen C5679787, MONDO:0016147.

Submission:

Women's Health and Genetics/Laboratory Corporation of America, LabCorp
Classification: Pathogenic for Neuromuscular disease caused by qualitative or quantitative defects of dystrophin. Last evaluated: 2021-09-02. Review status: criteria provided, single submitter. Criteria: LabCorp Variant Classification Summary - May 2015. Collection method: clinical testing. Allele origin: germline.
Comment: Variant summary: The variant identified by MLPA or other technology involves the deletion of exons 46-54 in the DMD gene. A presumed nomenclature of c.(6614+1_6615-1)_(8027+1_8028-1)del has been designated for the purposes of this classification. Although exact breakpoints of this deletion are not known, it is expected to result in a large in-frame deletion change in the DMD gene, a known mechanism of disease. The variant was absent in 16119 control chromosomes (gnomAD, Structural Variants dataset). Deletion of exons 46-54 has been reported in the literature in individuals affected with Dystrophinopathies (e.g. Pandey_2003, Prior_2005, Takeshima_2010). These data indicate that the variant is likely to be associated with disease. A ClinVar submitter (evaluation after 2014) cites the variant as pathogenic. Based on the evidence outlined above, the variant was classified as pathogenic.

Literature cited by the submitters: PubMed 20485447; PubMed 16049303; PubMed 14652441.